The following is an entry in ClinVar:

ClinVar aggregate classification (germline): Uncertain significance (1 of 4 stars; one submission).

Conditions:
Osteogenesis imperfecta type 8 (OI8). Identifiers: MedGen C1970458, MONDO:0012581, OMIM 610915.

Submission:

Labcorp Genetics (formerly Invitae), Labcorp
Classification: Uncertain significance for Osteogenesis imperfecta type 8. Last evaluated: 2021-06-29. Review status: criteria provided, single submitter. Criteria: Invitae Variant Classification Sherloc (09022015). Collection method: clinical testing. Allele origin: germline.
Comment: This variant, c.641_643del, results in the deletion of 1 amino acid(s) of the P3H1 protein (p.Arg214del), but otherwise preserves the integrity of the reading frame. This variant is not present in population databases (ExAC no frequency). This variant has not been reported in the literature in individuals affected with P3H1-related conditions. Experimental studies and prediction algorithms are not available or were not evaluated, and the functional significance of this variant is currently unknown. In summary, the available evidence is currently insufficient to determine the role of this variant in disease. Therefore, it has been classified as a Variant of Uncertain Significance.

NM_022356.4(P3H1):c.641_643del (p.Arg214del)

Gene: P3H1 (prolyl 3-hydroxylase 1; minus strand). Cytogenetic location: 1p34.2.
Variant type: Deletion.
Coding change: c.641_643del on transcript NM_022356.4 (MANE Select); coding-DNA positions 641 to 643, 3 bases deleted (GAC; older notation c.641_643delGAC).
Protein change: p.Arg214del; deletes arginine 214.
Molecular consequence: inframe deletion.
Genome position (GRCh38, 1-based): chr1:42,759,366-42,759,368, GTC deleted on the plus strand (GAC on the coding strand, the reverse complement: P3H1 is on the minus strand); deleting any 3 consecutive bases within chr1:42,759,366-42,759,369 gives the same sequence; the c. name uses the placement nearest the transcript's 3' end. VCF-style (leftmost placement, unchanged base first): chr1-42759365-AGTC-A. GRCh37 (hg19) VCF-style: chr1-43225036-AGTC-A.
Other names: c.641_643del, p.Arg214del (NM_001146289.2, NM_001243246.2); short protein forms R214del.
Identifiers: ClinVar variation 1403461 (VCV001403461.8), dbSNP rs2124143063, ClinGen allele CA2573132277.